The following is an entry in ClinVar:

NM_003640.5(ELP1):c.639C>A (p.Cys213Ter)

Gene: ELP1 (elongator acetyltransferase complex subunit 1; minus strand). Cytogenetic location: 9q31.3.
Variant type: single nucleotide variant.
Coding change: c.639C>A on transcript NM_003640.5 (MANE Select); coding-DNA position 639, C replaced by A.
Protein change: p.Cys213Ter; replaces cysteine 213 with a stop codon.
Molecular consequence: nonsense. On other transcripts: intron variant (1).
Genome position (GRCh38, 1-based): chr9:108,919,263, G>T on the plus strand (C>A on the coding strand, the complement: ELP1 is on the minus strand). VCF-style: chr9-108919263-G-T. GRCh37 (hg19) VCF-style: chr9-111681543-G-T.
Other names: c.297C>A, p.Cys99Ter (NM_001318360.2); c.-307-1593C>A (NM_001330749.2); short protein forms C213*, C99*.
Identifiers: ClinVar variation 1725498 (VCV001725498.2), dbSNP rs1829557292, ClinGen allele CA374387343.

ClinVar aggregate classification (germline): Likely pathogenic (1 of 4 stars; one submission).

Conditions:
Familial dysautonomia. Also called: HSAN III; FD. Identifiers: Orphanet 1764, MedGen C0013364, MONDO:0009131, OMIM 223900. Disease mechanism: loss of function.

Allele frequency attached by ClinVar (database versions not stated): TOPMed below 0.00001.

Submission:

Myriad Genetics, Inc.
Classification: Likely pathogenic for Familial dysautonomia. Last evaluated: 2022-03-29. Review status: criteria provided, single submitter. Criteria: Myriad Women's Health Autosomal Recessive and X-Linked Classification Criteria (2021). Collection method: clinical testing. Allele origin: unknown.
Comment: NM_003640.3(ELP1):c.639C>A(C213*) is expected to be pathogenic in the context of familial dysautonomia. This variant is predicted to lead to an abnormal or absent protein product due to the creation of a premature termination codon in ELP1, a gene where loss-of-function variants are known to be pathogenic. Please note: this variant was assessed in the context of healthy population screening.